The following is an entry in ClinVar:

ClinVar aggregate classification (germline): Pathogenic (1 of 4 stars; one submission).

Conditions:
Fabry disease. Also called: ALPHA-GALACTOSIDASE A DEFICIENCY; ANDERSON-FABRY DISEASE; CERAMIDE TRIHEXOSIDASE DEFICIENCY; GLA DEFICIENCY; HEREDITARY DYSTOPIC LIPIDOSIS; Angiokeratoma corporis diffusum. Identifiers: Orphanet 324, MedGen C0002986, MONDO:0010526, OMIM 301500, HP:0001071. Disease mechanism: Fabry disease is due to inactivating mutations in the X-linked GLA gene resulting in deficiency of the enzyme Alpha Galactosidase-A., loss of function.

Submission:

Genomenon, Inc
Classification: Pathogenic for Fabry disease. Last evaluated: 2026-09-08. Review status: criteria provided, single submitter. Criteria: Genomenon Sequence Variant Interpretation Standards - Updated. Collection method: curation. Allele origin: germline. Affected: yes.
Comment: GLA p.Tyr397Ter (c.1191T>G) is a nonsense variant that introduces a premature stop codon at amino acid position 397 and is predicted to result in a truncated or absent protein product. This variant has been observed in at least one proband with clinical features consistent with Fabry disease (PMID:23935525). At least one functional study has demonstrated a substantial alteration in protein function relative to the wild-type (PMID:31613176). It is absent or not present at a significant frequency in gnomAD. In conclusion, we classify GLA p.Tyr397Ter (c.1191T>G) as a pathogenic variant.

Literature cited by the submitters: PubMed 23935525; PubMed 31613176.

NM_000169.3(GLA):c.1191T>G (p.Tyr397Ter)

Genes: GLA (galactosidase alpha; minus strand), RPL36A-HNRNPH2 (RPL36A-HNRNPH2 readthrough; plus strand). Cytogenetic location: Xq22.1.
Variant type: single nucleotide variant.
Coding change: c.1191T>G on transcript NM_000169.3 (MANE Select); coding-DNA position 1191, T replaced by G.
Protein change: p.Tyr397Ter; replaces tyrosine 397 with a stop codon.
Molecular consequence: nonsense. On other transcripts: non-coding transcript variant (3), intron variant (2).
Genome position (GRCh38, 1-based): chrX:101,397,908, A>C on the plus strand (T>G on the coding strand, the complement: GLA is on the minus strand). VCF-style: chrX-101397908-A-C. GRCh37 (hg19) VCF-style: chrX-100652896-A-C.
Other names: c.1314T>G, p.Tyr438Ter (NM_001406747.1); c.300+2451A>C (NM_001199973.2); c.177+6086A>C (NM_001199974.2); short protein forms Y397*, Y438*.
Identifiers: ClinVar variation 4087199 (VCV004087199.2), dbSNP rs869312236.